The following is an entry in ClinVar:

NR_109851.1(LINC-PINT):n.3215C>A

Gene: LINC-PINT (long intergenic non-protein coding RNA, p53 induced transcript; minus strand). Cytogenetic location: 7q32.3.
Variant type: single nucleotide variant.
Molecular consequence: non-coding transcript variant (on NR_015431.2).
Genome position: GRCh38 VCF-style: chr7-130944202-G-T. GRCh37 (hg19) VCF-style: chr7-130628961-G-T.
Identifiers: ClinVar variation 3032636 (VCV003032636.2), dbSNP rs573515445, ClinGen allele CA167024785.
Genomic context (GRCh38, chr7:130,944,202, plus strand): 5'-AATCAAACAAAACACAGATTGCAGTGATGTTTACTTAAGCTTTATTTATATATATAGTGC[G>T]TAGGTTCCTGGAGCACAAAGAAGAAAGTTGCTCAGATTTATCCAGACCTCACATAAGTTT-3'

ClinVar aggregate classification (germline): Likely benign (0 of 4 stars; one submission).

Conditions:
LINC-PINT-related disorder. Also called: LINC-PINT-related condition.

Submission:

PreventionGenetics, part of Exact Sciences
Classification: Likely benign for LINC-PINT-related condition. Last evaluated: 2022-02-03. Review status: no assertion criteria provided. Collection method: clinical testing. Allele origin: germline.
Comment: This variant is classified as likely benign based on ACMG/AMP sequence variant interpretation guidelines (Richards et al. 2015 PMID: 25741868, with internal and published modifications).